The following is an entry in ClinVar:

ClinVar aggregate classification (germline): Uncertain significance (1 of 4 stars; one submission).

Conditions:
Hereditary cancer-predisposing syndrome. Also called: Tumor predisposition; Neoplastic Syndromes, Hereditary; Hereditary neoplastic syndrome; Hereditary Cancer Syndrome. Identifiers: Orphanet 140162, MedGen C0027672, MeSH D009386, MONDO:0015356.

Submission:

Ambry Genetics
Classification: Uncertain significance for Hereditary cancer-predisposing syndrome. Last evaluated: 2025-08-27. Review status: criteria provided, single submitter. Criteria: Ambry Variant Classification Scheme 2023. Collection method: clinical testing. Allele origin: germline.
Comment: The p.P393A variant (also known as c.1177C>G), located in coding exon 12 of the MUTYH gene, results from a C to G substitution at nucleotide position 1177. The proline at codon 393 is replaced by alanine, an amino acid with highly similar properties. This amino acid position is conserved. In addition, this alteration is predicted to be deleterious by in silico analysis. Based on the available evidence, the clinical significance of this variant remains unclear.

NM_001048174.2(MUTYH):c.1093C>G (p.Pro365Ala)

Gene: MUTYH (mutY DNA glycosylase; minus strand). Cytogenetic location: 1p34.1.
Variant type: single nucleotide variant.
Coding change: c.1093C>G on transcript NM_001048174.2 (MANE Select); coding-DNA position 1093, C replaced by G.
Protein change: p.Pro365Ala; replaces proline 365 with alanine.
Molecular consequence: missense variant. On other transcripts: non-coding transcript variant (7).
Genome position (GRCh38, 1-based): chr1:45,331,670, G>C on the plus strand (C>G on the coding strand, the complement: MUTYH is on the minus strand). VCF-style: chr1-45331670-G-C. GRCh37 (hg19) VCF-style: chr1-45797342-G-C.
Other names: c.1093C>G, p.Pro365Ala (NM_001048171.2, NM_001048173.2, NM_001407081.1 and 6 more transcripts); c.1096C>G, p.Pro366Ala (NM_001048172.2, NM_001407078.1, NM_001407086.1 and 1 more transcripts); c.1177C>G, p.Pro393Ala (NM_001128425.2); c.1138C>G, p.Pro380Ala (NM_001293190.2); c.1126C>G, p.Pro376Ala (NM_001293191.2, NM_001407077.1, NM_001407069.1); c.817C>G, p.Pro273Ala (NM_001293192.2, NM_001293196.2, NM_001407091.1); c.1054C>G, p.Pro352Ala (NM_001407079.1); c.1051C>G, p.Pro351Ala (NM_001407080.1); and 5 more; short protein forms P250A, P352A, P372A, P273A, P366A, P380A, P351A, P376A.
Identifiers: ClinVar variation 4113075 (VCV004113075.1).
Genomic context (GRCh38, chr1:45,331,670, plus strand): 5'-ATTCTCTCTTGTTACTCATGCCACTGCCCTCCACGCCCAGTATCCAGGTACCTGAGTTGG[G>C]CCTCTGCACCAGCAGAATTTGGGCCCCAAGGGCCCCAGGCTGTTCCAGAACACAGGTGGC-3'
Protein context (NP_001041639.1, residues 355-375): LGAQILLVQR[Pro365Ala]NSGLLAGLWE